The following is an entry in ClinVar:

NM_000540.3(RYR1):c.3432G>A (p.Pro1144=)

Gene: RYR1 (ryanodine receptor 1; plus strand). Cytogenetic location: 19q13.2.
Variant type: single nucleotide variant.
Coding change: c.3432G>A on transcript NM_000540.3 (MANE Select); coding-DNA position 3432, G replaced by A.
Protein change: p.Pro1144=; no amino-acid change (proline 1144 retained).
Molecular consequence: synonymous variant.
Genome position (GRCh38, 1-based): chr19:38,469,016, G>A. VCF-style: chr19-38469016-G-A. GRCh37 (hg19) VCF-style: chr19-38959656-G-A.
Other names: c.3432G>A, p.Pro1144= (NM_001042723.2).
Identifiers: ClinVar variation 706350 (VCV000706350.13), dbSNP rs776614841, ClinGen allele CA064836.
Genomic context (GRCh38, chr19:38,469,016, plus strand): 5'-GTCCTCACAGGGCCAGCGCTGGCACTTGGGCAGTGAACCATTTGGGCGCCCCTGGCAGCC[G>A]GGCGATGTCGTTGGCTGTATGATCGACCTCACAGAGAACACCATTATCTTCACCCTCAAT-3'
Protein context (NP_000531.2, residues 1134-1154): GSEPFGRPWQ[Pro1144=]GDVVGCMIDL

ClinVar aggregate classification (germline): Likely benign. Review status: criteria provided, multiple submitters, no conflicts (2 of 4 stars). 4 submissions from 4 submitters: Likely benign (4). Last evaluated 2025-12-04.

Conditions:
Malignant hyperthermia, susceptibility to, 1 (MHS1). Also called: RYR1-Related Malignant Hyperthermia Susceptibility; Anesthesia related hyperthermia; Malignant hyperpyrexia; Fulminating hyperpyrexia; Pharmacogenic myopathy; Malignant hyperthermia suceptibility 1. Identifiers: Orphanet 423, MedGen C2930980, MONDO:0007783, OMIM 145600.
RYR1-related disorder. Also called: RYR1-related condition; RYR1-related disorders. Identifiers: MedGen CN239331.

Allele frequency attached by ClinVar (database versions not stated): TOPMed 0.00001; ExAC 0.00002; gnomAD exomes 0.00003.

Submissions (4):

Labcorp Genetics (formerly Invitae), Labcorp
Classification: Likely benign for RYR1-related disorder. Last evaluated: 2025-12-04. Review status: criteria provided, single submitter. Criteria: Invitae Variant Classification Sherloc (09022015). Collection method: clinical testing. Allele origin: germline.

PreventionGenetics, part of Exact Sciences
Classification: Likely benign for RYR1-related condition. Last evaluated: 2024-10-18. Review status: criteria provided, single submitter. Criteria: ACMG Guidelines, 2015. Collection method: clinical testing. Allele origin: germline.
Comment: This variant is classified as likely benign based on ACMG/AMP sequence variant interpretation guidelines (Richards et al. 2015 PMID: 25741868, with internal and published modifications).

Blueprint Genetics
Classification: Likely benign. Last evaluated: 2024-01-11. Review status: criteria provided, single submitter. Criteria: ACMG Guidelines, 2015. Collection method: clinical testing. Allele origin: germline.

All of Us Research Program, National Institutes of Health
Classification: Likely benign for Malignant hyperthermia, susceptibility to, 1. Last evaluated: 2023-11-28. Review status: criteria provided, single submitter. Criteria: ACMG Guidelines, 2015. Collection method: clinical testing. Allele origin: germline. Inheritance: Autosomal dominant inheritance. Observed: 7 variant alleles, 7 heterozygotes.
Comment: This study involves interpretation of variants in research participants for the purpose of population health screening. Participant phenotype was not available at the time of variant classification. Additional details can be found in publication PMID: 35346344, PMCID: PMC8962531